The following is an entry in ClinVar:

ClinVar aggregate classification (germline): Uncertain significance (1 of 4 stars; one submission).

Conditions:
Hereditary cancer-predisposing syndrome. Also called: Neoplastic Syndromes, Hereditary; Tumor predisposition; Hereditary Cancer Syndrome; Hereditary neoplastic syndrome. Identifiers: Orphanet 140162, MedGen C0027672, MeSH D009386, MONDO:0015356.

Allele frequency attached by ClinVar (database versions not stated): gnomAD exomes below 0.00001.

Submission:

Ambry Genetics
Classification: Uncertain significance for Hereditary cancer-predisposing syndrome. Last evaluated: 2024-06-26. Review status: criteria provided, single submitter. Criteria: Ambry Variant Classification Scheme 2023. Collection method: clinical testing. Allele origin: germline.
Comment: The c.706-4_706-3delTC intronic variant, located in intron 6 of the PMS2 gene, results from a deletion of two nucleotides within intron 6 of the PMS2 gene. This nucleotide position is not conserved on a very limited sequence alignment. In silico splice site analysis predicts that this alteration will not have any significant effect on splicing. Based on the available evidence, the clinical significance of this variant remains unclear.

NM_000535.7(PMS2):c.706-4_706-3del

Gene: PMS2 (PMS1 homolog 2, mismatch repair system component; minus strand). Cytogenetic location: 7p22.1.
Variant type: Deletion.
Coding change: c.706-4_706-3del on transcript NM_000535.7 (MANE Select); 4 bases into the intron before coding-DNA position 706 through 3 bases into the intron before coding-DNA position 706, 2 bases deleted (TC; older notation c.706-4_706-3delTC).
Molecular consequence: intron variant.
Genome position (GRCh38, 1-based): chr7:5,997,426-5,997,427, GA deleted on the plus strand (TC on the coding strand, the reverse complement: PMS2 is on the minus strand). VCF-style (leftmost placement, unchanged base first): chr7-5997425-TGA-T. GRCh37 (hg19) VCF-style: chr7-6037056-TGA-T.
Other names: c.388-4_388-3del (NM_001322008.2, NM_001322007.2); c.301-4_301-3del (NM_001322010.2, NM_001322004.2, NM_001322003.2 and 2 more transcripts); c.133-4_133-3del (NM_001322013.2); c.-228-4_-228-3del (NM_001322012.2, NM_001322011.2); c.397-4_397-3del (NM_001322015.2); c.706-4_706-3del (NM_001322006.2, NM_001322014.2).
Identifiers: ClinVar variation 1756966 (VCV001756966.3), dbSNP rs1491495579, ClinGen allele CA153239800.